The following is an entry in ClinVar:

ClinVar aggregate classification (germline): Uncertain significance. Review status: criteria provided, multiple submitters, no conflicts (2 of 4 stars). 2 submissions from 2 submitters: Uncertain significance (2). Last evaluated 2026-02-02.

Conditions:
Congenital stationary night blindness 1E. Also called: Night blindness, congenital stationary (complete), 1E, autosomal recessive. Identifiers: Orphanet 215, MedGen C3281215, MONDO:0013807, OMIM 614565.

Allele frequency attached by ClinVar (database versions not stated): ESP Exome Variant Server 0.00008; gnomAD 0.00013 and 0.00016; ExAC 0.00017; gnomAD exomes 0.00019; TOPMed 0.00020; 1000 Genomes Project 0.00060; 1000 Genomes Project 30x 0.00078.
gnomAD v4.1: 200 of 1,596,160 alleles (0.013%); highest among the groups gnomAD compares: Admixed American, 0.036%; no homozygotes.

Submissions (2):

Labcorp Genetics (formerly Invitae), Labcorp
Classification: Uncertain significance. Last evaluated: 2026-02-02. Review status: criteria provided, single submitter. Criteria: Invitae Variant Classification Sherloc (09022015). Collection method: clinical testing. Allele origin: germline.
Comment: This sequence change replaces alanine, which is neutral and non-polar, with threonine, which is neutral and polar, at codon 1049 of the GPR179 protein (p.Ala1049Thr). This variant is present in population databases (rs188307315, gnomAD 0.07%). This variant has not been reported in the literature in individuals affected with GPR179-related conditions. ClinVar contains an entry for this variant (Variation ID: 888816). An algorithm developed to predict the effect of missense changes on protein structure and function outputs the following: PolyPhen-2: "Benign". The threonine amino acid residue is found in multiple mammalian species, which suggests that this missense change does not adversely affect protein function. In summary, the available evidence is currently insufficient to determine the role of this variant in disease. Therefore, it has been classified as a Variant of Uncertain Significance.

Illumina Laboratory Services, Illumina
Classification: Uncertain significance for Congenital stationary night blindness 1E. Last evaluated: 2018-01-12. Review status: criteria provided, single submitter. Criteria: ICSL Variant Classification Criteria 13 December 2019. Collection method: clinical testing. Allele origin: germline.

NM_001004334.4(GPR179):c.3145G>A (p.Ala1049Thr)

Gene: GPR179 (G protein-coupled receptor 179; minus strand). Cytogenetic location: 17q12.
Variant type: single nucleotide variant.
Coding change: c.3145G>A on transcript NM_001004334.4 (MANE Select); coding-DNA position 3145, G replaced by A.
Protein change: p.Ala1049Thr; replaces alanine 1049 with threonine.
Molecular consequence: missense variant.
Genome position (GRCh38, 1-based): chr17:38,330,424, C>T on the plus strand (G>A on the coding strand, the complement: GPR179 is on the minus strand). VCF-style: chr17-38330424-C-T. GRCh37 (hg19) VCF-style: chr17-36486307-C-T.
Other names: short protein forms A1049T.
Identifiers: ClinVar variation 888816 (VCV000888816.8), dbSNP rs188307315, ClinGen allele CA290105339.